The following is an entry in ClinVar:

ClinVar aggregate classification (germline): Conflicting classifications of pathogenicity. Review status: criteria provided, conflicting classifications (1 of 4 stars). 4 submissions from 4 submitters: Uncertain significance (2); Benign (1); Likely benign (1). Last evaluated 2026-06-02.

Conditions:
KMT2D-related disorder. Also called: KMT2D-Related Disorders.
Kabuki syndrome. Also called: NIIKAWA-KUROKI SYNDROME; Kabuki make-up syndrome. Identifiers: Orphanet 2322, MedGen C0796004, MONDO:0016512.
Inborn genetic diseases. Identifiers: MedGen C0950123, MeSH D030342.

Allele frequency attached by ClinVar (database versions not stated): TOPMed 0.00002; ExAC 0.00003; gnomAD 0.00004; gnomAD exomes 0.00006; ESP Exome Variant Server 0.00008; 1000 Genomes Project 30x 0.00016; 1000 Genomes Project 0.00020.
gnomAD v4.1: 57 of 1,613,766 alleles (0.0035%); highest among the groups gnomAD compares: Middle Eastern, 0.016%; no homozygotes.

Submissions (4):

PreventionGenetics, part of Exact Sciences
Classification: Uncertain significance for KMT2D-related condition. Last evaluated: 2026-06-02. Review status: criteria provided, single submitter. Criteria: ACMG Guidelines, 2015. Collection method: clinical testing. Allele origin: germline.
Comment: The KMT2D c.13259G>A variant is predicted to result in the amino acid substitution p.Arg4420Gln. This variant has been reported to have occurred apparently de novo variant in an individual with Kabuki syndrome (Cheon et al. 2014. PubMed ID: 24739679; Supplemental Table S3, Faundes et al. 2018. PubMed ID: 30459467), and has been reported in the heterozygous state in a patient with hearing loss whose unaffected mother was also heterozygous for this variant (Bademci et al. 2016. PubMed ID: 27562378). This variant is reported in 0.089% of alleles in individuals of Ashkenazi Jewish descent in gnomAD. This population data is not consistent with this variant being a primary cause of disease. Although we suspect that this variant may be benign, at this time, the clinical significance of this variant is uncertain due to the absence of conclusive functional and genetic evidence.

Labcorp Genetics (formerly Invitae), Labcorp
Classification: Benign for Kabuki syndrome. Last evaluated: 2026-01-14. Review status: criteria provided, single submitter. Criteria: Invitae Variant Classification Sherloc (09022015). Collection method: clinical testing. Allele origin: germline.

Ambry Genetics
Classification: Likely benign for Inborn genetic diseases. Last evaluated: 2024-06-24. Review status: criteria provided, single submitter. Criteria: Ambry Variant Classification Scheme 2023. Collection method: clinical testing. Allele origin: germline.

Mendelics
Classification: Uncertain significance. Last evaluated: 2022-05-04. Review status: criteria provided, single submitter. Criteria: Mendelics Assertion Criteria 2019. Collection method: clinical testing. Allele origin: germline.

NM_003482.4(KMT2D):c.13259G>A (p.Arg4420Gln)

Gene: KMT2D (lysine methyltransferase 2D; minus strand). Cytogenetic location: 12q13.12.
Variant type: single nucleotide variant.
Coding change: c.13259G>A on transcript NM_003482.4 (MANE Select); coding-DNA position 13259, G replaced by A.
Protein change: p.Arg4420Gln; replaces arginine 4420 with glutamine.
Molecular consequence: missense variant.
Genome position (GRCh38, 1-based): chr12:49,031,446, C>T on the plus strand (G>A on the coding strand, the complement: KMT2D is on the minus strand). VCF-style: chr12-49031446-C-T. GRCh37 (hg19) VCF-style: chr12-49425229-C-T.
Other names: short protein forms R4420Q.
Identifiers: ClinVar variation 309015 (VCV000309015.13), dbSNP rs375999143, ClinGen allele CA6546053.
Genomic context (GRCh38, chr12:49,031,446, plus strand): 5'-ATTGGCTCCCCATTGGCCTCCCTCTTCACTGACTGGGCTCCCAGGGCACATGGCTCTTCC[C>T]GAGGTTCCTGCTTGATGCTGAGTTGGGATGCCTCAGGCACCACCTGTCCATTCACCTGGT-3'
Protein context (NP_003473.3, residues 4410-4430): ASQLSIKQEP[Arg4420Gln]EEPCALGAQS